The following is an entry in ClinVar:

NM_014956.5(CEP164):c.2551T>C (p.Leu851=)

Gene: CEP164 (centrosomal protein 164; plus strand). Cytogenetic location: 11q23.3.
Variant type: single nucleotide variant.
Coding change: c.2551T>C on transcript NM_014956.5 (MANE Select); coding-DNA position 2551, T replaced by C.
Protein change: p.Leu851=; no amino-acid change (leucine 851 retained).
Molecular consequence: synonymous variant.
Genome position (GRCh38, 1-based): chr11:117,393,061, T>C. VCF-style: chr11-117393061-T-C. GRCh37 (hg19) VCF-style: chr11-117263777-T-C.
Other names: c.2560T>C, p.Leu854= (NM_001271933.2).
Identifiers: ClinVar variation 3356018 (VCV003356018.1).

ClinVar aggregate classification (germline): Likely benign (0 of 4 stars; one submission).

Conditions:
CEP164-related disorder. Also called: CEP164-related condition.

gnomAD v4.1: 5 of 1,613,266 alleles (0.00031%); highest among the groups gnomAD compares: African/African-American, 0.0013%; no homozygotes.

Submission:

PreventionGenetics, part of Exact Sciences
Classification: Likely benign for CEP164-related condition. Last evaluated: 2024-08-29. Review status: no assertion criteria provided. Collection method: clinical testing. Allele origin: germline.
Comment: This variant is classified as likely benign based on ACMG/AMP sequence variant interpretation guidelines (Richards et al. 2015 PMID: 25741868, with internal and published modifications).